The following is an entry in ClinVar:

ClinVar aggregate classification (germline): Uncertain significance (1 of 4 stars; one submission).

gnomAD v4.1: 28 of 1,270,240 alleles (0.0022%); highest among the groups gnomAD compares: African/African-American, 0.0031%; no homozygotes.

Submission:

Labcorp Genetics (formerly Invitae), Labcorp
Classification: Uncertain significance. Last evaluated: 2024-05-26. Review status: criteria provided, single submitter. Criteria: Invitae Variant Classification Sherloc (09022015). Collection method: clinical testing. Allele origin: germline.
Comment: This sequence change replaces glutamic acid, which is acidic and polar, with lysine, which is basic and polar, at codon 891 of the ERCC6L2 protein (p.Glu891Lys). This variant is not present in population databases (gnomAD no frequency). This variant has not been reported in the literature in individuals affected with ERCC6L2-related conditions. Experimental studies and prediction algorithms are not available or were not evaluated, and the functional significance of this variant is currently unknown. In summary, the available evidence is currently insufficient to determine the role of this variant in disease. Therefore, it has been classified as a Variant of Uncertain Significance.

NM_020207.7(ERCC6L2):c.2638G>A (p.Glu880Lys)

Gene: ERCC6L2 (ERCC excision repair 6 like 2; plus strand). Cytogenetic location: 9q22.32.
Variant type: single nucleotide variant.
Coding change: c.2638G>A on transcript NM_020207.7 (MANE Select); coding-DNA position 2638, G replaced by A.
Protein change: p.Glu880Lys; replaces glutamic acid 880 with lysine.
Molecular consequence: missense variant. On other transcripts: non-coding transcript variant (1).
Genome position (GRCh38, 1-based): chr9:95,972,389, G>A. VCF-style: chr9-95972389-G-A. GRCh37 (hg19) VCF-style: chr9-98734671-G-A.
Other names: c.2638G>A, p.Glu880Lys (NM_001375291.1, NM_001375292.1, NM_001375293.1 and 1 more transcripts); short protein forms E880K.
Identifiers: ClinVar variation 3617483 (VCV003617483.1).
Genomic context (GRCh38, chr9:95,972,389, plus strand): 5'-AAGCATATTTTTTATAAAAGTGAGAAGATTTTAGAACAGAATATTTCTTCCAAGTCTGAC[G>A]AGAAAAAAATTAAAAATACAGATAAACATTGCATTTTACAGAATGTCACAGAATCAGAAG-3'
Protein context (NP_064592.3, residues 870-890): LEQNISSKSD[Glu880Lys]KKIKNTDKHC